The following is an entry in ClinVar:

NM_012213.3(MLYCD):c.36T>G (p.Arg12=)

Genes: MLYCD (malonyl-CoA decarboxylase; plus strand), LOC130059554 (ATAC-STARR-seq lymphoblastoid silent region 7769; plus strand). Cytogenetic location: 16q23.3.
Variant type: single nucleotide variant.
Coding change: c.36T>G on transcript NM_012213.3 (MANE Select); coding-DNA position 36, T replaced by G.
Protein change: p.Arg12=; no amino-acid change (arginine 12 retained).
Molecular consequence: synonymous variant.
Genome position (GRCh38, 1-based): chr16:83,899,180, T>G. VCF-style: chr16-83899180-T-G. GRCh37 (hg19) VCF-style: chr16-83932785-T-G.
Identifiers: ClinVar variation 2646902 (VCV002646902.27), dbSNP rs1236626849, ClinGen allele CA497000979.

ClinVar aggregate classification (germline): Likely benign. Review status: criteria provided, multiple submitters, no conflicts (2 of 4 stars). 2 submissions from 2 submitters: Likely benign (2). Last evaluated 2023-09-12.

Conditions:
Deficiency of malonyl-CoA decarboxylase. Also called: Malonic aciduria; MCD deficiency. Identifiers: Orphanet 943, MedGen C0342793, MONDO:0009556, OMIM 248360.

Allele frequency attached by ClinVar (database versions not stated): gnomAD exomes below 0.00001; gnomAD 0.00001; TOPMed 0.00001.

Submissions (2):

Labcorp Genetics (formerly Invitae), Labcorp
Classification: Likely benign for Deficiency of malonyl-CoA decarboxylase. Last evaluated: 2023-09-12. Review status: criteria provided, single submitter. Criteria: Invitae Variant Classification Sherloc (09022015). Collection method: clinical testing. Allele origin: germline.

CeGaT Center for Human Genetics Tuebingen
Classification: Likely benign. Last evaluated: 2023-08-01. Review status: criteria provided, single submitter. Criteria: CeGaT Center For Human Genetics Tuebingen Variant Classification Criteria Version 2. Collection method: clinical testing. Allele origin: germline. Affected: yes. Observed: 1 variant allele.
Comment: MLYCD: BP4, BP7